The following is an entry in ClinVar:

ClinVar aggregate classification (germline): Likely pathogenic (1 of 4 stars; one submission).

Conditions:
PMM2-congenital disorder of glycosylation. Also called: CDG Ia; PMM2-CDG; JAEKEN SYNDROME; PHOSPHOMANNOMUTASE 2 DEFICIENCY; CARBOHYDRATE-DEFICIENT GLYCOPROTEIN SYNDROME, TYPE Ia; Congenital disorder of glycosylation, type Ia. Identifiers: Orphanet 79318, MedGen C0349653, MONDO:0008907, OMIM 212065.

Submission:

Natera, Inc.
Classification: Likely pathogenic for Congenital disorder of glycosylation type 1a. Last evaluated: 2025-10-09. Review status: criteria provided, single submitter. Criteria: Natera Variant Classification Schema (03/2026). Collection method: clinical testing. Allele origin: germline.
Comment: The c.531G>T variant in PMM2 is a missense variant predicted to cause substitution of glutamine to histidine at amino acid 177. This variant is rare in the general population with a frequency below the threshold expected for the associated phenotype(s). This variant has been observed in one or more individuals affected with the associated recessive disease, as either homozygous or compound heterozygous with a second variant (PMID: 40121796, 25497157). Another variant at this same site results in an alteration predicted to cause a similar molecular effect has been observed in individual(s) with the associated phenotype. Computational prediction algorithms indicate this variant is likely to affect gene or protein function. Given the available evidence, this variant is classified as Likely Pathogenic.

Literature cited by the submitters: PubMed 40121796; PubMed 25497157.

NM_000303.3(PMM2):c.531G>T (p.Gln177His)

Gene: PMM2 (phosphomannomutase 2; plus strand). Cytogenetic location: 16p13.2.
Variant type: single nucleotide variant.
Coding change: c.531G>T on transcript NM_000303.3 (MANE Select); coding-DNA position 531, G replaced by T.
Protein change: p.Gln177His; replaces glutamine 177 with histidine.
Molecular consequence: missense variant.
Genome position (GRCh38, 1-based): chr16:8,812,998, G>T. VCF-style: chr16-8812998-G-T. GRCh37 (hg19) VCF-style: chr16-8906855-G-T.
Other names: short protein forms Q177H.
Identifiers: ClinVar variation 4818141 (VCV004818141.1).